The following is an entry in ClinVar:

NM_001267550.2(TTN):c.21459T>C (p.Asn7153=)

Genes: TTN (titin; minus strand), LOC126806428 (BRD4-independent group 4 enhancer GRCh37_chr2:179588362-179589561; plus strand). Cytogenetic location: 2q31.2.
Variant type: single nucleotide variant.
Coding change: c.21459T>C on transcript NM_001267550.2 (MANE Select); coding-DNA position 21459, T replaced by C.
Protein change: p.Asn7153=; no amino-acid change (asparagine 7153 retained).
Molecular consequence: synonymous variant. On other transcripts: intron variant (3).
Genome position (GRCh38, 1-based): chr2:178,723,641, A>G on the plus strand (T>C on the coding strand, the complement: TTN is on the minus strand). VCF-style: chr2-178723641-A-G. GRCh37 (hg19) VCF-style: chr2-179588368-A-G.
Other names: c.20508T>C, p.Asn6836= (NM_001256850.1); c.17727T>C, p.Asn5909= (NM_133378.4); c.13282+14441T>C (NM_003319.4); c.13858+14441T>C (NM_133437.4); c.13657+14441T>C (NM_133432.3).
Identifiers: ClinVar variation 759272 (VCV000759272.28), dbSNP rs1578047092, ClinGen allele CA430288306.

ClinVar aggregate classification (germline): Likely benign. Review status: criteria provided, multiple submitters, no conflicts (2 of 4 stars). 2 submissions from 2 submitters: Likely benign (2). Last evaluated 2023-08-01.

Allele frequency attached by ClinVar (database versions not stated): gnomAD exomes below 0.00001.
gnomAD v4.1: 1 of 1,610,180 alleles (0.000062%); highest among the groups gnomAD compares: African/African-American, 0.0013%; no homozygotes.

Submissions (2):

CeGaT Center for Human Genetics Tuebingen
Classification: Likely benign. Last evaluated: 2023-08-01. Review status: criteria provided, single submitter. Criteria: CeGaT Center For Human Genetics Tuebingen Variant Classification Criteria Version 2. Collection method: clinical testing. Allele origin: germline. Affected: yes. Observed: 2 variant alleles.
Comment: TTN: PM2:Supporting, BP4, BP7

Labcorp Genetics (formerly Invitae), Labcorp
Classification: Likely benign. Last evaluated: 2018-05-08. Review status: criteria provided, single submitter. Criteria: Invitae Variant Classification Sherloc (09022015). Collection method: clinical testing. Allele origin: germline.